The following is an entry in ClinVar:

ClinVar aggregate classification (germline): Benign/Likely benign. Review status: criteria provided, multiple submitters, no conflicts (2 of 4 stars). 6 submissions from 6 submitters: Benign (2); Likely benign (3). 1 of the submissions does not count toward it. Last evaluated 2026-05-01.

Conditions:
Familial thoracic aortic aneurysm and aortic dissection (TAAD). Also called: Thoracic aortic aneurysms and dissections. Identifiers: Orphanet 91387, MedGen C4707243, MONDO:0019625.
MED12-Related Disorders. Also called: MED12-related condition; MED12-related disorder. Identifiers: MedGen CN381102.
FG syndrome (FGS). Identifiers: MedGen C0220769, MONDO:0002010.

Allele frequency attached by ClinVar (database versions not stated): TOPMed 0.00004; gnomAD exomes 0.00006 and 0.00015; gnomAD 0.00009 and 0.00015; 1000 Genomes Project 30x 0.00166; ExAC 0.00012; 1000 Genomes Project 0.00132.

Submissions (6):

CeGaT Center for Human Genetics Tuebingen
Classification: Likely benign. Last evaluated: 2026-05-01. Review status: criteria provided, single submitter. Criteria: CeGaT Center For Human Genetics Tuebingen Variant Classification Criteria Version 2. Collection method: clinical testing. Allele origin: germline. Affected: yes. Observed: 1 variant allele.
Comment: MED12: BS2

Labcorp Genetics (formerly Invitae), Labcorp
Classification: Benign for FG syndrome. Last evaluated: 2025-12-09. Review status: criteria provided, single submitter. Criteria: Invitae Variant Classification Sherloc (09022015). Collection method: clinical testing. Allele origin: germline.

Blueprint Genetics
Classification: Likely benign. Last evaluated: 2021-11-04. Review status: criteria provided, single submitter. Criteria: ACMG Guidelines, 2015. Collection method: clinical testing. Allele origin: germline.

GeneDx
Classification: Benign. Last evaluated: 2020-01-22. Review status: criteria provided, single submitter. Criteria: GeneDx Variant Classification Process June 2021. Collection method: clinical testing. Allele origin: germline. Affected: yes.

Ambry Genetics
Classification: Likely benign for Familial thoracic aortic aneurysm and aortic dissection. Last evaluated: 2018-12-17. Review status: criteria provided, single submitter. Criteria: Ambry Variant Classification Scheme 2023. Collection method: clinical testing. Allele origin: germline.

PreventionGenetics, part of Exact Sciences
Classification: Likely benign for MED12-related condition. Last evaluated: 2021-04-01. Review status: no assertion criteria provided. Collection method: clinical testing. Allele origin: germline. Not counted in ClinVar's aggregate classification.
Comment: This variant is classified as likely benign based on ACMG/AMP sequence variant interpretation guidelines (Richards et al. 2015 PMID: 25741868, with internal and published modifications).

NM_005120.3(MED12):c.5267T>C (p.Leu1756Pro)

Gene: MED12 (mediator complex subunit 12; plus strand). Cytogenetic location: Xq13.1.
Variant type: single nucleotide variant.
Coding change: c.5267T>C on transcript NM_005120.3 (MANE Select); coding-DNA position 5267, T replaced by C.
Protein change: p.Leu1756Pro; replaces leucine 1756 with proline.
Molecular consequence: missense variant.
Genome position (GRCh38, 1-based): chrX:71,136,522, T>C. VCF-style: chrX-71136522-T-C. GRCh37 (hg19) VCF-style: chrX-70356372-T-C.
Other names: short protein forms L1756P.
Identifiers: ClinVar variation 589587 (VCV000589587.22), dbSNP rs201843482, ClinGen allele CA10444762.
Genomic context (GRCh38, chrX:71,136,522, plus strand): 5'-CCTATTACCTGGAGCCACTGCCACTGCCCCCAGAAGATGAGGAGCCGCCTGCTCCTACCC[T>C]GCTAGAGCCTGAGAAAAAGGCTCCAGAGCCCCCCAAAACTGACAAACCGGGGGCTGCTCC-3'
Protein context (NP_005111.2, residues 1746-1766): PEDEEPPAPT[Leu1756Pro]LEPEKKAPEP